The following is an entry in ClinVar:

ClinVar aggregate classification (germline): Uncertain significance. Review status: criteria provided, multiple submitters, no conflicts (2 of 4 stars). 2 submissions from 2 submitters: Uncertain significance (2). Last evaluated 2025-03-24.

Conditions:
Emery-Dreifuss muscular dystrophy 4, autosomal dominant (EDMD4). Also called: EMERY-DREIFUSS MUSCULAR DYSTROPHY 4 WITH VARIABLE FEATURES. Identifiers: Orphanet 261, MedGen C2751807, MONDO:0013071, OMIM 612998.
Autosomal recessive ataxia, Beauce type. Also called: Spinocerebellar ataxia, autosomal recessive 8; ATAXIA, RECESSIVE, OF BEAUCE; SYNE1-Related Autosomal Recessive Cerebellar Ataxia; SYNE1 Deficiency. Identifiers: Orphanet 88644, MedGen C1853116, MONDO:0012549, OMIM 610743.

Allele frequency attached by ClinVar (database versions not stated): gnomAD exomes below 0.00001; gnomAD 0.00001; TOPMed 0.00001.
gnomAD v4.1: 4 of 1,614,050 alleles (0.00025%); highest among the groups gnomAD compares: Admixed American, 0.0017%; no homozygotes.

Submissions (2):

Revvity Omics, Revvity
Classification: Uncertain significance. Last evaluated: 2025-03-24. Review status: criteria provided, single submitter. Criteria: ACMG Guidelines, 2015. Collection method: clinical testing. Allele origin: germline.

Labcorp Genetics (formerly Invitae), Labcorp
Classification: Uncertain significance for Emery-Dreifuss muscular dystrophy 4, autosomal dominant; Autosomal recessive ataxia, Beauce type. Last evaluated: 2021-08-13. Review status: criteria provided, single submitter. Criteria: Invitae Variant Classification Sherloc (09022015). Collection method: clinical testing. Allele origin: germline.
Comment: This sequence change replaces arginine with cysteine at codon 8000 of the SYNE1 protein (p.Arg8000Cys). The arginine residue is highly conserved and there is a large physicochemical difference between arginine and cysteine. This variant is not present in population databases (ExAC no frequency). This variant has not been reported in the literature in individuals affected with SYNE1-related conditions. Algorithms developed to predict the effect of missense changes on protein structure and function are either unavailable or do not agree on the potential impact of this missense change (SIFT: "Deleterious"; PolyPhen-2: "Probably Damaging"; Align-GVGD: "Class C0"). In summary, the available evidence is currently insufficient to determine the role of this variant in disease. Therefore, it has been classified as a Variant of Uncertain Significance.

NM_182961.4(SYNE1):c.24211C>T (p.Arg8071Cys)

Gene: SYNE1 (spectrin repeat containing nuclear envelope protein 1; minus strand). Cytogenetic location: 6q25.2.
Variant type: single nucleotide variant.
Coding change: c.24211C>T on transcript NM_182961.4 (MANE Select); coding-DNA position 24211, C replaced by T.
Protein change: p.Arg8071Cys; replaces arginine 8071 with cysteine.
Molecular consequence: missense variant.
Genome position (GRCh38, 1-based): chr6:152,152,060, G>A on the plus strand (C>T on the coding strand, the complement: SYNE1 is on the minus strand). VCF-style: chr6-152152060-G-A. GRCh37 (hg19) VCF-style: chr6-152473195-G-A.
Other names: c.817C>T, p.Arg273Cys (NM_001347701.2); c.676C>T, p.Arg226Cys (NM_001347702.2); c.23998C>T, p.Arg8000Cys (NM_033071.5); short protein forms R226C, R8000C, R273C, R8071C.
Identifiers: ClinVar variation 648828 (VCV000648828.7), dbSNP rs1380424994, ClinGen allele CA366087043.
Genomic context (GRCh38, chr6:152,152,060, plus strand): 5'-TGTCCCATCTCTGGTTGCCTTCGTGAACCATCTGTTTGAGGCTACATGCTGAATCAGTGC[G>A]GTTCTCCCTGGCCAGGCGGCGGTACTGCTTGTTGATCAGTTCCAGCTGCGTCAGGCACTC-3'
Protein context (NP_892006.3, residues 8061-8081): KQYRRLAREN[Arg8071Cys]TDSACSLKQM